The following is an entry in ClinVar:

ClinVar aggregate classification (germline): Likely pathogenic (1 of 4 stars; one submission).

Conditions:
Glycine encephalopathy. Also called: Non-ketotic hyperglycinemia; Nonketotic hyperglycinemia. Identifiers: Orphanet 407, MedGen C0751748, MONDO:0011612, HP:0008288.

Submission:

Labcorp Genetics (formerly Invitae), Labcorp
Classification: Likely pathogenic for Glycine encephalopathy. Last evaluated: 2022-04-06. Review status: criteria provided, single submitter. Criteria: Invitae Variant Classification Sherloc (09022015). Collection method: clinical testing. Allele origin: germline.
Comment: In summary, the currently available evidence indicates that the variant is pathogenic, but additional data are needed to prove that conclusively. Therefore, this variant has been classified as Likely Pathogenic. This variant disrupts the p.Arg373 amino acid residue in GLDC. Other variant(s) that disrupt this residue have been determined to be pathogenic (PMID: 16601880, 28244183). This suggests that this residue is clinically significant, and that variants that disrupt this residue are likely to be disease-causing. Advanced modeling of protein sequence and biophysical properties (such as structural, functional, and spatial information, amino acid conservation, physicochemical variation, residue mobility, and thermodynamic stability) performed at Invitae indicates that this missense variant is expected to disrupt GLDC protein function. This variant has not been reported in the literature in individuals affected with GLDC-related conditions. This variant is not present in population databases (gnomAD no frequency). This sequence change replaces arginine, which is basic and polar, with proline, which is neutral and non-polar, at codon 373 of the GLDC protein (p.Arg373Pro).

Literature cited by the submitters: PubMed 16601880; PubMed 28244183.

NM_000170.3(GLDC):c.1118G>C (p.Arg373Pro)

Gene: GLDC (glycine decarboxylase; minus strand). Cytogenetic location: 9p24.1.
Variant type: single nucleotide variant.
Coding change: c.1118G>C on transcript NM_000170.3 (MANE Select); coding-DNA position 1118, G replaced by C.
Protein change: p.Arg373Pro; replaces arginine 373 with proline.
Molecular consequence: missense variant.
Genome position (GRCh38, 1-based): chr9:6,602,146, C>G on the plus strand (G>C on the coding strand, the complement: GLDC is on the minus strand). VCF-style: chr9-6602146-C-G. GRCh37 (hg19) VCF-style: chr9-6602146-C-G.
Other names: short protein forms R373P.
Identifiers: ClinVar variation 2119191 (VCV002119191.4), dbSNP rs2129885269, ClinGen allele CA372894528.
Genomic context (GRCh38, chr9:6,602,146, plus strand): 5'-GTCAGGTCAGACGTGTGATTTACCTGAGCTGTACAGATGTTGCTGGTAGCCTTGTCTCTC[C>G]GAATGTGTTGCTCCCTGGTTTGAAGAGCAAGACGATACACTTCTTTCCCAGTGGCATCTC-3'
Protein context (NP_000161.2, residues 363-383): LALQTREQHI[Arg373Pro]RDKATSNICT